The following is an entry in ClinVar:

NM_198525.3(KIF7):c.3365C>G (p.Ser1122Trp)

Genes: KIF7 (kinesin family member 7; minus strand), LOC126862216 (BRD4-independent group 4 enhancer GRCh37_chr15:90171995-90173194; plus strand). Cytogenetic location: 15q26.1.
Variant type: single nucleotide variant.
Coding change: c.3365C>G on transcript NM_198525.3 (MANE Select); coding-DNA position 3365, C replaced by G.
Protein change: p.Ser1122Trp; replaces serine 1122 with tryptophan.
Molecular consequence: missense variant.
Genome position (GRCh38, 1-based): chr15:89,629,527, G>C on the plus strand (C>G on the coding strand, the complement: KIF7 is on the minus strand). VCF-style: chr15-89629527-G-C. GRCh37 (hg19) VCF-style: chr15-90172758-G-C.
Other names: short protein forms S1122W.
Identifiers: ClinVar variation 1448413 (VCV001448413.7), dbSNP rs202195179, ClinGen allele CA7727727.
Genomic context (GRCh38, chr15:89,629,527, plus strand): 5'-AGGGCCACCTCCAGCCAGTACACCAGCCTCTGCTGCTCCTCCAGCTGCATCTCCAGTTCC[G>C]AGAAGGCAATCTGCTGCTGGTGCTGCTCCTCTCGGAGCGTCACCACCTGTCCCAAGACCC-3'
Protein context (NP_940927.2, residues 1112-1132): EEQHQQQIAF[Ser1122Trp]ELEMQLEEQQ

ClinVar aggregate classification (germline): Uncertain significance. Review status: criteria provided, multiple submitters, no conflicts (2 of 4 stars). 4 submissions from 4 submitters: Uncertain significance (4). Last evaluated 2024-03-28.

Conditions:
Acrocallosal syndrome (ACLS). Also called: HALLUX DUPLICATION, POSTAXIAL POLYDACTYLY, AND ABSENCE OF CORPUS CALLOSUM; Schinzel syndrome 1; Absence of corpus callosum with unusual facial appearance, mental deficiency, duplication of the halluces and polydactyly. Identifiers: Orphanet 36, MedGen C0796147, MONDO:0008708, OMIM 200990.
Multiple epiphyseal dysplasia, Al-Gazali type. Also called: Macrocephaly with multiple epiphyseal dysplasia and distinctive facies. Identifiers: Orphanet 166024, MedGen C1846722, MONDO:0011778, OMIM 607131.
Hydrolethalus syndrome 2 (HLS2). Identifiers: Orphanet 2189, MedGen C3279899, MONDO:0013585, OMIM 614120.
Joubert syndrome 12 (JBTS12). Identifiers: MedGen C3277723.

Allele frequency attached by ClinVar (database versions not stated): 1000 Genomes Project 0.00020; 1000 Genomes Project 30x 0.00031.
gnomAD v4.1: 53 of 1,610,500 alleles (0.0033%); highest among the groups gnomAD compares: Admixed American, 0.012%; no homozygotes.

Submissions (4):

Fulgent Genetics
Classification: Uncertain significance for Acrocallosal syndrome; Multiple epiphyseal dysplasia, Al-Gazali type; Hydrolethalus syndrome 2. Last evaluated: 2024-03-28. Review status: criteria provided, single submitter. Criteria: ACMG Guidelines, 2015. Collection method: clinical testing. Allele origin: germline.

Genomic Medicine Center of Excellence, King Faisal Specialist Hospital and Research Centre
Classification: Uncertain significance for Joubert syndrome 12. Last evaluated: 2024-03-14. Review status: criteria provided, single submitter. Criteria: ACMG Guidelines, 2015. Collection method: clinical testing. Allele origin: germline.

Labcorp Genetics (formerly Invitae), Labcorp
Classification: Uncertain significance for Acrocallosal syndrome. Last evaluated: 2022-11-22. Review status: criteria provided, single submitter. Criteria: Invitae Variant Classification Sherloc (09022015). Collection method: clinical testing. Allele origin: germline.
Comment: In summary, the available evidence is currently insufficient to determine the role of this variant in disease. Therefore, it has been classified as a Variant of Uncertain Significance. Advanced modeling of protein sequence and biophysical properties (such as structural, functional, and spatial information, amino acid conservation, physicochemical variation, residue mobility, and thermodynamic stability) performed at Invitae indicates that this missense variant is not expected to disrupt KIF7 protein function. ClinVar contains an entry for this variant (Variation ID: 1448413). This missense change has been observed in individual(s) with clinical features of acrocallosal syndrome (PMID: 26174511). This variant is present in population databases (rs202195179, gnomAD 0.006%). This sequence change replaces serine, which is neutral and polar, with tryptophan, which is neutral and slightly polar, at codon 1122 of the KIF7 protein (p.Ser1122Trp).

Daryl Scott Lab, Baylor College of Medicine
Classification: Uncertain significance for Acrocallosal syndrome. Last evaluated: 2022-02-01. Review status: criteria provided, single submitter. Criteria: ACMG Guidelines, 2015. Collection method: clinical testing. Allele origin: biparental. Observed: 1 variant allele, 1 compound heterozygote.

Literature cited by the submitters: PubMed 26174511 (cited by Labcorp Genetics (formerly Invitae), Labcorp); PubMed 36474027 (cited by Daryl Scott Lab, Baylor College of Medicine).